The following is an entry in ClinVar:

ClinVar aggregate classification (germline): Uncertain significance (1 of 4 stars; one submission).

Conditions:
Nemaline myopathy 2 (NEM2). Also called: Nemaline myopathy 2, autosomal recessive. Identifiers: MedGen C1850569, MONDO:0009725, OMIM 256030.

gnomAD v4.1: 2 of 1,612,924 alleles (0.00012%); no homozygotes.

Submission:

Labcorp Genetics (formerly Invitae), Labcorp
Classification: Uncertain significance for Nemaline myopathy 2. Last evaluated: 2021-08-31. Review status: criteria provided, single submitter. Criteria: Invitae Variant Classification Sherloc (09022015). Collection method: clinical testing. Allele origin: germline.
Comment: This sequence change replaces glycine with alanine at codon 7362 of the NEB protein (p.Gly7362Ala). The glycine residue is moderately conserved and there is a small physicochemical difference between glycine and alanine. This variant is not present in population databases (ExAC no frequency). This variant has not been reported in the literature in individuals affected with NEB-related conditions. Algorithms developed to predict the effect of missense changes on protein structure and function are either unavailable or do not agree on the potential impact of this missense change (SIFT: "Deleterious"; PolyPhen-2: "Not Available"; Align-GVGD: "Class C0"). In summary, the available evidence is currently insufficient to determine the role of this variant in disease. Therefore, it has been classified as a Variant of Uncertain Significance.

NM_001164508.2(NEB):c.21980G>C (p.Gly7327Ala)

Genes: NEB (nebulin; minus strand), RIF1 (replication timing regulatory factor 1; plus strand). Cytogenetic location: 2q23.3.
Variant type: single nucleotide variant.
Coding change: c.21980G>C on transcript NM_001164508.2 (MANE Select); coding-DNA position 21980, G replaced by C.
Protein change: p.Gly7327Ala; replaces glycine 7327 with alanine.
Molecular consequence: missense variant.
Genome position (GRCh38, 1-based): chr2:151,526,228, C>G on the plus strand (G>C on the coding strand, the complement: NEB is on the minus strand). VCF-style: chr2-151526228-C-G. GRCh37 (hg19) VCF-style: chr2-152382742-C-G.
Other names: c.21980G>C, p.Gly7327Ala (NM_001164507.2); c.22085G>C, p.Gly7362Ala (NM_001271208.2); c.16877G>C, p.Gly5626Ala (NM_004543.5); short protein forms G5626A, G7327A, G7362A.
Identifiers: ClinVar variation 1431242 (VCV001431242.5), dbSNP rs751167749, ClinGen allele CA348767027.
Genomic context (GRCh38, chr2:151,526,228, plus strand): 5'-AGGTTGCTGACAGTCTTCGCCAGCAGGATCTGAGGCGTGTCAGGTACGGCATGGCAGGTT[C>G]CTCTTTCCTTGACATGTTTCTCTTTGTATTTCAGCTTCAGGGGCAGGAAAAGGGGCATTT-3'
Protein context (NP_001157980.2, residues 7317-7337): KYKEKHVKER[Gly7327Ala]TCHAVPDTPQ